The following is an entry in ClinVar:

NM_201384.3(PLEC):c.2217G>A (p.Gln739=)

Gene: PLEC (plectin; minus strand). Cytogenetic location: 8q24.3.
Variant type: single nucleotide variant.
Coding change: c.2217G>A on transcript NM_201384.3 (MANE Select); coding-DNA position 2217, G replaced by A.
Protein change: p.Gln739=; no amino-acid change (glutamine 739 retained).
Molecular consequence: synonymous variant.
Genome position (GRCh38, 1-based): chr8:143,931,621, C>T on the plus strand (G>A on the coding strand, the complement: PLEC is on the minus strand). VCF-style: chr8-143931621-C-T. GRCh37 (hg19) VCF-style: chr8-145005789-C-T.
Other names: p.Gln725=; c.2298G>A, p.Gln766= (NM_000445.5); c.2175G>A, p.Gln725= (NM_201378.4); c.2151G>A, p.Gln717= (NM_201379.3); c.2628G>A, p.Gln876= (NM_201380.4); c.2121G>A, p.Gln707= (NM_201381.3); c.2217G>A, p.Gln739= (NM_201382.4); c.2229G>A, p.Gln743= (NM_201383.3).
Identifiers: ClinVar variation 129937 (VCV000129937.23), dbSNP rs116612406, ClinGen allele CA154472.

ClinVar aggregate classification (germline): Benign. Review status: criteria provided, multiple submitters, no conflicts (2 of 4 stars). 7 submissions from 7 submitters: Benign (6). 1 of the submissions does not count toward it. Last evaluated 2026-02-01.

Conditions:
Epidermolysis bullosa simplex 5C, with pyloric atresia (EBS5C). Also called: PLEC-Related Epidermolysis Bullosa with Pyloric Atresia; Epidermolysis bullosa simplex with pyloric atresia; PLEC1-Related Epidermolysis Bullosa with Pyloric Atresia. Identifiers: Orphanet 158684, MedGen C2677349, MONDO:0012807, OMIM 612138.
Autosomal recessive limb-girdle muscular dystrophy type 2Q (LGMDR17). Also called: MUSCULAR DYSTROPHY, LIMB-GIRDLE, AUTOSOMAL RECESSIVE 17. Identifiers: Orphanet 254361, MedGen C3150989, MONDO:0013390, OMIM 613723.
Epidermolysis bullosa simplex with nail dystrophy (EBS5D). Identifiers: MedGen C4225309, MONDO:0014661, OMIM 616487.
Epidermolysis bullosa simplex 5B, with muscular dystrophy (EBS5B). Also called: Epidermolysis bullosa simplex with muscular dystrophy; EPIDERMOLYSIS BULLOSA SIMPLEX AND LIMB-GIRDLE MUSCULAR DYSTROPHY. Identifiers: Orphanet 257, MedGen C2931072, MONDO:0009181, OMIM 226670.
Epidermolysis bullosa simplex, Ogna type (EBS5A). Also called: Pidermolysis bullosa simplex 5A, Ogna type; EPIDERMOLYSIS BULLOSA SIMPLEX 5A, OGNA TYPE. Identifiers: Orphanet 79401, MedGen C0432317, MONDO:0007555, OMIM 131950.

Allele frequency attached by ClinVar (database versions not stated): gnomAD exomes 0.00582 and 0.00625; 1000 Genomes Project 0.01098; 1000 Genomes Project 30x 0.01156; ExAC 0.01156; gnomAD 0.01234 and 0.01288; ESP Exome Variant Server 0.01254; TOPMed 0.01324.
gnomAD v4.1: 10,328 of 1,601,478 alleles (0.64%); highest among the groups gnomAD compares: African/African-American, 3.1%; 70 homozygotes.

Submissions (7):

Labcorp Genetics (formerly Invitae), Labcorp
Classification: Benign for Autosomal recessive limb-girdle muscular dystrophy type 2Q; Epidermolysis bullosa simplex, Ogna type; Epidermolysis bullosa simplex with nail dystrophy; Epidermolysis bullosa simplex 5C, with pyloric atresia; Epidermolysis bullosa simplex 5B, with muscular dystrophy. Last evaluated: 2026-02-01. Review status: criteria provided, single submitter. Criteria: Invitae Variant Classification Sherloc (09022015). Collection method: clinical testing. Allele origin: germline.

Athena Diagnostics
Classification: Benign. Last evaluated: 2024-08-29. Review status: criteria provided, single submitter. Criteria: Athena Diagnostics Criteria. Collection method: clinical testing. Allele origin: unknown.

GeneDx
Classification: Benign. Last evaluated: 2018-01-16. Review status: criteria provided, single submitter. Criteria: GeneDx Variant Classification (06012015). Collection method: clinical testing. Allele origin: germline. Affected: yes.
Comment: This variant is considered likely benign or benign based on one or more of the following criteria: it is a conservative change, it occurs at a poorly conserved position in the protein, it is predicted to be benign by multiple in silico algorithms, and/or has population frequency not consistent with disease.

Mayo Clinic Laboratories, Mayo Clinic
Classification: Benign. Last evaluated: 2017-12-06. Review status: criteria provided, single submitter. Criteria: ACMG Guidelines, 2015. Collection method: clinical testing. Allele origin: germline. Observed: 9 variant alleles.

Laboratory for Molecular Medicine, Mass General Brigham Personalized Medicine
Classification: Benign. Last evaluated: 2015-01-13. Review status: criteria provided, single submitter. Criteria: LMM Criteria. Collection method: clinical testing. Allele origin: germline. Observed: 2 variant alleles.
Comment: p.Gln876Gln in exon 19 of PLEC: This variant is not expected to have clinical si gnificance because it does not alter an amino acid residue and is not located wi thin the splice consensus sequence. It has been identified in 2.6% (108/4102) of African American chromosomes from a broad population by the NHLBI Exome Sequenc ing Project (dbSNP rs116612406).

Breakthrough Genomics
Classification: Benign. Review status: criteria provided, single submitter. Criteria: ACMG Guidelines, 2015. Collection method: not provided. Allele origin: germline. Inheritance: Autosomal recessive inheritance. Affected: yes.

Genetic Services Laboratory, University of Chicago
Classification: Likely benign for AllHighlyPenetrant. Review status: no assertion criteria provided. Collection method: clinical testing. Allele origin: germline. Inheritance: Autosomal recessive inheritance. Not counted in ClinVar's aggregate classification.
Comment: Likely benign based on allele frequency in 1000 Genomes Project or ESP global frequency and its presence in a patient with a rare or unrelated disease phenotype. NOT Sanger confirmed.